The following is an entry in ClinVar:

ClinVar aggregate classification (germline): Uncertain significance (1 of 4 stars; one submission).

Submission:

GeneDx
Classification: Uncertain significance. Last evaluated: 2022-07-07. Review status: criteria provided, single submitter. Criteria: GeneDx Variant Classification Process June 2021. Collection method: clinical testing. Allele origin: germline. Affected: yes.
Comment: Not observed at significant frequency in large population cohorts (gnomAD); In silico analysis supports that this missense variant has a deleterious effect on protein structure/function; Has not been previously published as pathogenic or benign to our knowledge

NM_000334.4(SCN4A):c.86A>G (p.Glu29Gly)

Gene: SCN4A (sodium voltage-gated channel alpha subunit 4; minus strand). Cytogenetic location: 17q23.3.
Variant type: single nucleotide variant.
Coding change: c.86A>G on transcript NM_000334.4 (MANE Select); coding-DNA position 86, A replaced by G.
Protein change: p.Glu29Gly; replaces glutamic acid 29 with glycine.
Molecular consequence: missense variant.
Genome position (GRCh38, 1-based): chr17:63,972,756, T>C on the plus strand (A>G on the coding strand, the complement: SCN4A is on the minus strand). VCF-style: chr17-63972756-T-C. GRCh37 (hg19) VCF-style: chr17-62050116-T-C.
Other names: short protein forms E29G.
Identifiers: ClinVar variation 1810438 (VCV001810438.1), dbSNP rs144347844, ClinGen allele CA292972909.